The following is an entry in ClinVar:

ClinVar aggregate classification (germline): Uncertain significance (1 of 4 stars; one submission).

Submission:

CeGaT Center for Human Genetics Tuebingen
Classification: Uncertain significance. Last evaluated: 2022-07-01. Review status: criteria provided, single submitter. Criteria: CeGaT Center For Human Genetics Tuebingen Variant Classification Criteria Version 2. Collection method: clinical testing. Allele origin: germline. Affected: yes. Observed: 1 variant allele.
Comment: PAK1: PM2, PP2, PP3

NM_002576.5(PAK1):c.368C>T (p.Ala123Val)

Gene: PAK1 (p21 (RAC1) activated kinase 1; minus strand). Cytogenetic location: 11q13.5.
Variant type: single nucleotide variant.
Coding change: c.368C>T on transcript NM_002576.5 (MANE Select); coding-DNA position 368, C replaced by T.
Protein change: p.Ala123Val; replaces alanine 123 with valine.
Molecular consequence: missense variant. On other transcripts: non-coding transcript variant (2), intron variant (1).
Genome position (GRCh38, 1-based): chr11:77,379,312, G>A on the plus strand (C>T on the coding strand, the complement: PAK1 is on the minus strand). VCF-style: chr11-77379312-G-A. GRCh37 (hg19) VCF-style: chr11-77090357-G-A.
Other names: c.368C>T, p.Ala123Val (NM_001376273.1, NM_001376274.1, NM_001376275.1 and 26 more transcripts); c.74C>T, p.Ala25Val (NM_001376302.1, NM_001376304.1, NM_001376305.1); c.389C>T, p.Ala130Val (NM_001376272.1); c.191-4947C>T (NM_001376301.1); short protein forms A123V, A130V, A25V.
Identifiers: ClinVar variation 2642189 (VCV002642189.24), dbSNP rs2540814506, ClinGen allele CA382169610.
Genomic context (GRCh38, chr11:77,379,312, plus strand): 5'-ATGTATTTCTGGCTGTTGGATGTCTTCTTCGAGTTGTAAAACTCCAACACATCCAGAACA[G>A]CCTGCGGGTTTTTCTTCTGCTCCGACTTAGTGATATTTGATGTCTGAAGCAAGCGGGCCC-3'
Protein context (NP_002567.3, residues 113-133): TKSEQKKNPQ[Ala123Val]VLDVLEFYNS